The following is an entry in ClinVar:

ClinVar aggregate classification (germline): Uncertain significance (1 of 4 stars; one submission).

Conditions:
MHC class II deficiency. Also called: Bare lymphocyte syndrome 2; BLS, TYPE II. Identifiers: Orphanet 572, MedGen C5447452, MONDO:0008855.

Submission:

Labcorp Genetics (formerly Invitae), Labcorp
Classification: Uncertain significance for MHC class II deficiency. Last evaluated: 2022-03-24. Review status: criteria provided, single submitter. Criteria: Invitae Variant Classification Sherloc (09022015). Collection method: clinical testing. Allele origin: germline.
Comment: This variant is not present in population databases (gnomAD no frequency). In summary, the available evidence is currently insufficient to determine the role of this variant in disease. Therefore, it has been classified as a Variant of Uncertain Significance. Algorithms developed to predict the effect of missense changes on protein structure and function are either unavailable or do not agree on the potential impact of this missense change (SIFT: "Deleterious"; PolyPhen-2: "Benign"; Align-GVGD: "Class C55"). This variant has not been reported in the literature in individuals affected with RFXAP-related conditions. This sequence change replaces threonine, which is neutral and polar, with alanine, which is neutral and non-polar, at codon 142 of the RFXAP protein (p.Thr142Ala).

NM_000538.4(RFXAP):c.424A>G (p.Thr142Ala)

Genes: RFXAP (regulatory factor X associated protein; plus strand), LOC130009574 (ATAC-STARR-seq lymphoblastoid active region 7589; plus strand). Cytogenetic location: 13q13.3.
Variant type: single nucleotide variant.
Coding change: c.424A>G on transcript NM_000538.4 (MANE Select); coding-DNA position 424, A replaced by G.
Protein change: p.Thr142Ala; replaces threonine 142 with alanine.
Molecular consequence: missense variant.
Genome position (GRCh38, 1-based): chr13:36,819,781, A>G. VCF-style: chr13-36819781-A-G. GRCh37 (hg19) VCF-style: chr13-37393918-A-G.
Other names: short protein forms T142A.
Identifiers: ClinVar variation 2116621 (VCV002116621.4), dbSNP rs2500443729, ClinGen allele CA387855301.